The following is an entry in ClinVar:

ClinVar aggregate classification (germline): Pathogenic (1 of 4 stars; one submission).

Conditions:
Hereditary cancer-predisposing syndrome. Also called: Hereditary Cancer Syndrome; Neoplastic Syndromes, Hereditary; Tumor predisposition; Hereditary neoplastic syndrome. Identifiers: Orphanet 140162, MedGen C0027672, MeSH D009386, MONDO:0015356.

Submission:

Ambry Genetics
Classification: Pathogenic for Hereditary cancer-predisposing syndrome. Last evaluated: 2020-03-10. Review status: criteria provided, single submitter. Criteria: Ambry Variant Classification Scheme 2023. Collection method: clinical testing. Allele origin: germline.
Comment: The c.4817_4818delCT pathogenic mutation, located in coding exon 10 of the BRCA2 gene, results from a deletion of two nucleotides at nucleotide positions 4817 to 4818, causing a translational frameshift with a predicted alternate stop codon (p.S1606Yfs*2). This alteration is expected to result in loss of function by premature protein truncation or nonsense-mediated mRNA decay. As such, this alteration is interpreted as a disease-causing mutation.

NM_000059.4(BRCA2):c.4817_4818del (p.Ser1606fs)

Gene: BRCA2 (BRCA2 DNA repair associated; plus strand). Cytogenetic location: 13q13.1.
Variant type: Deletion.
Coding change: c.4817_4818del on transcript NM_000059.4 (MANE Select); coding-DNA positions 4817 to 4818, 2 bases deleted (CT; older notation c.4817_4818delCT).
Protein change: p.Ser1606fs; shifts the reading frame from serine 1606.
Molecular consequence: frameshift variant.
Genome position (GRCh38, 1-based): chr13:32,339,172-32,339,173, CT deleted; deleting any 2 consecutive bases within chr13:32,339,171-32,339,173 gives the same sequence; the c. name uses the placement nearest the transcript's 3' end. VCF-style (leftmost placement, unchanged base first): chr13-32339170-TTC-T. GRCh37 (hg19) VCF-style: chr13-32913307-TTC-T.
Other names: c.4817_4818delCT, p.Ser1606Tyrfs (NM_001406719.1, NM_001406720.1); short protein forms S1606fs.
Identifiers: ClinVar variation 1743316 (VCV001743316.2), dbSNP rs2548529378, ClinGen allele CA2580087313.